The following is an entry in ClinVar:

ClinVar aggregate classification (germline): Uncertain significance. Review status: criteria provided, multiple submitters, no conflicts (2 of 4 stars). 2 submissions from 2 submitters: Uncertain significance (2). Last evaluated 2025-08-04.

Conditions:
Holoprosencephaly 11 (HPE11). Identifiers: Orphanet 2162, MedGen C3280215, MONDO:0013642, OMIM 614226.
Inborn genetic diseases. Identifiers: MedGen C0950123, MeSH D030342.

Allele frequency attached by ClinVar (database versions not stated): gnomAD exomes below 0.00001; ExAC 0.00003; TOPMed 0.00003; gnomAD 0.00005; ESP Exome Variant Server 0.00008.
gnomAD v4.1: 12 of 1,614,000 alleles (0.00074%); highest among the groups gnomAD compares: African/African-American, 0.013%; no homozygotes.

Submissions (2):

Ambry Genetics
Classification: Uncertain significance for Inborn genetic diseases. Last evaluated: 2025-08-04. Review status: criteria provided, single submitter. Criteria: Ambry Variant Classification Scheme 2023. Collection method: clinical testing. Allele origin: germline.

Labcorp Genetics (formerly Invitae), Labcorp
Classification: Uncertain significance for Holoprosencephaly 11. Last evaluated: 2025-07-28. Review status: criteria provided, single submitter. Criteria: Invitae Variant Classification Sherloc (09022015). Collection method: clinical testing. Allele origin: germline.
Comment: This sequence change replaces alanine, which is neutral and non-polar, with valine, which is neutral and non-polar, at codon 480 of the CDON protein (p.Ala480Val). This variant is present in population databases (rs138020239, gnomAD 0.02%). This variant has not been reported in the literature in individuals affected with CDON-related conditions. ClinVar contains an entry for this variant (Variation ID: 2511248). Invitae Evidence Modeling of protein sequence and biophysical properties (such as structural, functional, and spatial information, amino acid conservation, physicochemical variation, residue mobility, and thermodynamic stability) indicates that this missense variant is not expected to disrupt CDON protein function with a negative predictive value of 80%. In summary, the available evidence is currently insufficient to determine the role of this variant in disease. Therefore, it has been classified as a Variant of Uncertain Significance.

NM_001378964.1(CDON):c.1439C>T (p.Ala480Val)

Gene: CDON (cell adhesion associated, oncogene regulated; minus strand). Cytogenetic location: 11q24.2.
Variant type: single nucleotide variant.
Coding change: c.1439C>T on transcript NM_001378964.1 (MANE Select); coding-DNA position 1439, C replaced by T.
Protein change: p.Ala480Val; replaces alanine 480 with valine.
Molecular consequence: missense variant.
Genome position (GRCh38, 1-based): chr11:126,010,454, G>A on the plus strand (C>T on the coding strand, the complement: CDON is on the minus strand). VCF-style: chr11-126010454-G-A. GRCh37 (hg19) VCF-style: chr11-125880349-G-A.
Other names: c.1439C>T, p.Ala480Val (NM_001243597.3, NM_016952.6); short protein forms A480V.
Identifiers: ClinVar variation 2511248 (VCV002511248.4), dbSNP rs138020239, ClinGen allele CA6352037.